The following is an entry in ClinVar:

NM_004369.4(COL6A3):c.7601C>G (p.Ser2534Ter)

Gene: COL6A3 (collagen type VI alpha 3 chain; minus strand). Cytogenetic location: 2q37.3.
Variant type: single nucleotide variant.
Coding change: c.7601C>G on transcript NM_004369.4 (MANE Select); coding-DNA position 7601, C replaced by G.
Protein change: p.Ser2534Ter; replaces serine 2534 with a stop codon.
Molecular consequence: nonsense.
Genome position (GRCh38, 1-based): chr2:237,344,417, G>C on the plus strand (C>G on the coding strand, the complement: COL6A3 is on the minus strand). VCF-style: chr2-237344417-G-C. GRCh37 (hg19) VCF-style: chr2-238253060-G-C.
Other names: c.5780C>G, p.Ser1927Ter (NM_057166.5); c.6983C>G, p.Ser2328Ter (NM_057167.4); short protein forms S1927*, S2328*, S2534*.
Identifiers: ClinVar variation 4882065 (VCV004882065.2).

ClinVar aggregate classification (germline): Likely pathogenic (1 of 4 stars; one submission).

Submission:

Dasa
Classification: Likely pathogenic. Last evaluated: 2025-04-29. Review status: criteria provided, single submitter. Criteria: DASA Assertion Criteria. Collection method: clinical testing. Allele origin: germline.
Comment: NM_004369.4(COL6A3):c.7601C>G (p.Ser2534*) is a nonsense variant in COL6A3 predicted to introduce a premature termination codon and is predicted to result in an absent or altered protein product. Loss of function is an established disease mechanism for COL6A3-associated disorders. Also, this variant is absent from population databases. Based on the currently available evidence, this variant is classified as likely pathogenic.